The following is an entry in ClinVar:

NM_004341.5(CAD):c.4468G>A (p.Ala1490Thr)

Gene: CAD (carbamoyl-phosphate synthetase 2, aspartate transcarbamylase, and dihydroorotase; plus strand). Cytogenetic location: 2p23.3.
Variant type: single nucleotide variant.
Coding change: c.4468G>A on transcript NM_004341.5 (MANE Select); coding-DNA position 4468, G replaced by A.
Protein change: p.Ala1490Thr; replaces alanine 1490 with threonine.
Molecular consequence: missense variant.
Genome position (GRCh38, 1-based): chr2:27,237,450, G>A. VCF-style: chr2-27237450-G-A. GRCh37 (hg19) VCF-style: chr2-27460318-G-A.
Other names: c.4279G>A, p.Ala1427Thr (NM_001306079.2); short protein forms A1427T, A1490T.
Identifiers: ClinVar variation 1923177 (VCV001923177.4), dbSNP rs1676068122, ClinGen allele CA346219889.

ClinVar aggregate classification (germline): Uncertain significance (1 of 4 stars; one submission).

Allele frequency attached by ClinVar (database versions not stated): gnomAD exomes below 0.00001; gnomAD 0.00001; TOPMed 0.00001.
gnomAD v4.1: 3 of 1,614,116 alleles (0.00019%); highest among the groups gnomAD compares: African/African-American, 0.004%; no homozygotes.

Submission:

Labcorp Genetics (formerly Invitae), Labcorp
Classification: Uncertain significance. Last evaluated: 2023-05-22. Review status: criteria provided, single submitter. Criteria: Invitae Variant Classification Sherloc (09022015). Collection method: clinical testing. Allele origin: germline.
Comment: In summary, the available evidence is currently insufficient to determine the role of this variant in disease. Therefore, it has been classified as a Variant of Uncertain Significance. An algorithm developed to predict the effect of missense changes on protein structure and function (PolyPhen-2) suggests that this variant is likely to be disruptive. ClinVar contains an entry for this variant (Variation ID: 1923177). This variant has not been reported in the literature in individuals affected with CAD-related conditions. This variant is not present in population databases (gnomAD no frequency). This sequence change replaces alanine, which is neutral and non-polar, with threonine, which is neutral and polar, at codon 1490 of the CAD protein (p.Ala1490Thr).